The following is an entry in ClinVar:

ClinVar aggregate classification (germline): Uncertain significance (1 of 4 stars; one submission).

Allele frequency attached by ClinVar (database versions not stated): gnomAD 0.00001; TOPMed 0.00002.
gnomAD v4.1: 5 of 1,613,796 alleles (0.00031%); highest among the groups gnomAD compares: Non-Finnish European, 0.00034%; no homozygotes.

Submission:

Labcorp Genetics (formerly Invitae), Labcorp
Classification: Uncertain significance. Last evaluated: 2023-08-22. Review status: criteria provided, single submitter. Criteria: Invitae Variant Classification Sherloc (09022015). Collection method: clinical testing. Allele origin: germline.
Comment: In summary, the available evidence is currently insufficient to determine the role of this variant in disease. Therefore, it has been classified as a Variant of Uncertain Significance. Advanced modeling of protein sequence and biophysical properties (such as structural, functional, and spatial information, amino acid conservation, physicochemical variation, residue mobility, and thermodynamic stability) performed at Invitae indicates that this missense variant is not expected to disrupt RUNX2 protein function. This variant has not been reported in the literature in individuals affected with RUNX2-related conditions. This variant is present in population databases (no rsID available, gnomAD 0.0009%). This sequence change replaces methionine, which is neutral and non-polar, with valine, which is neutral and non-polar, at codon 408 of the RUNX2 protein (p.Met408Val).

NM_001024630.4(RUNX2):c.1222A>G (p.Met408Val)

Gene: RUNX2 (RUNX family transcription factor 2; plus strand). Cytogenetic location: 6p21.1.
Variant type: single nucleotide variant.
Coding change: c.1222A>G on transcript NM_001024630.4 (MANE Select); coding-DNA position 1222, A replaced by G.
Protein change: p.Met408Val; replaces methionine 408 with valine.
Molecular consequence: missense variant.
Genome position (GRCh38, 1-based): chr6:45,546,961, A>G. VCF-style: chr6-45546961-A-G. GRCh37 (hg19) VCF-style: chr6-45514698-A-G.
Other names: c.1156A>G, p.Met386Val (NM_001015051.4); c.1114A>G, p.Met372Val (NM_001278478.2); c.1180A>G, p.Met394Val (NM_001369405.1, NM_004348.3); short protein forms M386V, M372V, M394V, M408V.
Identifiers: ClinVar variation 2999723 (VCV002999723.3), dbSNP rs1032694844, ClinGen allele CA138460456.